The following is an entry in ClinVar:

ClinVar aggregate classification (germline): Uncertain significance. Review status: criteria provided, multiple submitters, no conflicts (2 of 4 stars). 2 submissions from 2 submitters: Uncertain significance (2). Last evaluated 2025-04-08.

Conditions:
Cardiovascular phenotype. Identifiers: MedGen CN230736.
Primary familial hypertrophic cardiomyopathy (HCM). Identifiers: Orphanet 99739, MedGen C0949658, MeSH D024741, MONDO:0024573. Inheritance: Various modes of inheritance.
Hypertrophic cardiomyopathy 25 (CMH25). Also called: CARDIOMYOPATHY, FAMILIAL HYPERTROPHIC, 25. Identifiers: MedGen C4225408, MONDO:0011843, OMIM 607487.

Submissions (2):

Labcorp Genetics (formerly Invitae), Labcorp
Classification: Uncertain significance for Hypertrophic cardiomyopathy 25; Primary familial hypertrophic cardiomyopathy. Last evaluated: 2025-04-08. Review status: criteria provided, single submitter. Criteria: Invitae Variant Classification Sherloc (09022015). Collection method: clinical testing. Allele origin: germline.
Comment: This sequence change replaces alanine, which is neutral and non-polar, with valine, which is neutral and non-polar, at codon 151 of the TCAP protein (p.Ala151Val). The frequency data for this variant in the population databases is considered unreliable, as metrics indicate poor data quality at this position in the gnomAD database. This variant has not been reported in the literature in individuals affected with TCAP-related conditions. ClinVar contains an entry for this variant (Variation ID: 863869). An algorithm developed to predict the effect of missense changes on protein structure and function (PolyPhen-2) suggests that this variant is likely to be tolerated. In summary, the available evidence is currently insufficient to determine the role of this variant in disease. Therefore, it has been classified as a Variant of Uncertain Significance.

Ambry Genetics
Classification: Uncertain significance for Cardiovascular phenotype. Last evaluated: 2019-09-18. Review status: criteria provided, single submitter. Criteria: Ambry Variant Classification Scheme 2023. Collection method: clinical testing. Allele origin: germline.
Comment: The c.452_453delCAinsTC variant, located in coding exon 2 of the TCAP gene, results from an in-frame deletion of CA and insertion of TC at nucleotide positions 452 to 453. This results in the substitution of the alanine residue for a valine residue at codon 151, an amino acid with similar properties. This amino acid position is not well conserved in available vertebrate species. In addition, this alteration is predicted to be neutral by in silico analysis (Choi Y et al. PLoS ONE. 2012; 7(10):e46688). Since supporting evidence is limited at this time, the clinical significance of this alteration remains unclear.

NM_003673.4(TCAP):c.452_453delinsTC (p.Ala151Val)

Gene: TCAP (titin-cap; plus strand). Cytogenetic location: 17q12.
Variant type: Indel.
Coding change: c.452_453delinsTC on transcript NM_003673.4 (MANE Select); coding-DNA positions 452 to 453, CA replaced by TC.
Protein change: p.Ala151Val; replaces alanine 151 with valine.
Molecular consequence: missense variant.
Genome position (GRCh38, 1-based): chr17:39,666,057-39,666,058, CA replaced by TC. VCF-style: chr17-39666057-CA-TC. GRCh37 (hg19) VCF-style: chr17-37822310-CA-TC.
Other names: c.452_453delCAinsTC (NM_003673.3); short protein forms A151V.
Identifiers: ClinVar variation 863869 (VCV000863869.10), dbSNP rs2057253289, ClinGen allele CA916080660.